The following is an entry in ClinVar:

NM_006267.5(RANBP2):c.8407A>G (p.Ile2803Val)

Gene: RANBP2 (RAN binding protein 2; plus strand). Cytogenetic location: 2q13.
Variant type: single nucleotide variant.
Coding change: c.8407A>G on transcript NM_006267.5 (MANE Select); coding-DNA position 8407, A replaced by G.
Protein change: p.Ile2803Val; replaces isoleucine 2803 with valine.
Molecular consequence: missense variant.
Genome position (GRCh38, 1-based): chr2:108,775,846, A>G. VCF-style: chr2-108775846-A-G. GRCh37 (hg19) VCF-style: chr2-109392302-A-G.
Other names: p.Ile2803Val; short protein forms I2803V.
Identifiers: ClinVar variation 377298 (VCV000377298.38), dbSNP rs61758804, ClinGen allele CA1823831.

ClinVar aggregate classification (germline): Benign/Likely benign. Review status: criteria provided, multiple submitters, no conflicts (2 of 4 stars). 8 submissions from 8 submitters: Benign (4); Likely benign (2). 2 of the submissions do not count toward it. Last evaluated 2025-08-21.

Conditions:
Familial acute necrotizing encephalopathy (IIAE3). Also called: ENCEPHALOPATHY, ACUTE, INFECTION-INDUCED, SUSCEPTIBILITY TO, 3; Susceptibility to Acute Necrotizing Encephalopathy 1. Identifiers: Orphanet 88619, MedGen C2675556, MONDO:0011953, OMIM 608033.

Allele frequency attached by ClinVar (database versions not stated): ESP Exome Variant Server 0.00238; TOPMed 0.00261; gnomAD exomes 0.00269 and 0.00425; gnomAD 0.00272; 1000 Genomes Project 30x 0.00312; ExAC 0.00315; 1000 Genomes Project 0.00319.
gnomAD v4.1: 6,624 of 1,613,754 alleles (0.41%); highest among the groups gnomAD compares: Non-Finnish European, 0.49%; 25 homozygotes.

Submissions (8):

Labcorp Genetics (formerly Invitae), Labcorp
Classification: Benign for Familial acute necrotizing encephalopathy. Last evaluated: 2025-08-21. Review status: criteria provided, single submitter. Criteria: Invitae Variant Classification Sherloc (09022015). Collection method: clinical testing. Allele origin: germline.

Mayo Clinic Laboratories, Mayo Clinic
Classification: Likely benign. Last evaluated: 2025-01-17. Review status: criteria provided, single submitter. Criteria: ACMG Guidelines, 2015. Collection method: clinical testing. Allele origin: germline. Observed: 2 variant alleles.
Comment: BS2, BP4

CeGaT Center for Human Genetics Tuebingen
Classification: Likely benign. Last evaluated: 2024-11-01. Review status: criteria provided, single submitter. Criteria: CeGaT Center For Human Genetics Tuebingen Variant Classification Criteria Version 2. Collection method: clinical testing. Allele origin: germline. Affected: yes. Observed: 3 variant alleles.
Comment: RANBP2: BP4, BS2

Center for Pediatric Genomic Medicine, Children's Mercy Hospital and Clinics
Classification: Benign. Last evaluated: 2017-01-04. Review status: criteria provided, single submitter. Criteria: ACMG Guidelines, 2015. Collection method: clinical testing. Allele origin: germline.

GeneDx
Classification: Benign. Last evaluated: 2016-09-30. Review status: criteria provided, single submitter. Criteria: GeneDx Variant Classification (06012015). Collection method: clinical testing. Allele origin: germline. Affected: yes.
Comment: This variant is considered likely benign or benign based on one or more of the following criteria: it is a conservative change, it occurs at a poorly conserved position in the protein, it is predicted to be benign by multiple in silico algorithms, and/or has population frequency not consistent with disease.

Breakthrough Genomics
Classification: Benign. Review status: criteria provided, single submitter. Criteria: ACMG Guidelines, 2015. Collection method: not provided. Allele origin: germline. Inheritance: Autosomal dominant inheritance. Affected: yes.

Clinical Genetics DNA and cytogenetics Diagnostics Lab, Erasmus MC, Erasmus Medical Center
Classification: Likely benign. Review status: no assertion criteria provided. Collection method: clinical testing. Allele origin: germline. Affected: yes. Study: VKGL Data-share Consensus. Not counted in ClinVar's aggregate classification.

Genome Diagnostics Laboratory, University Medical Center Utrecht
Classification: Likely benign. Review status: no assertion criteria provided. Collection method: clinical testing. Allele origin: germline. Affected: yes. Study: VKGL Data-share Consensus. Not counted in ClinVar's aggregate classification.